The following is an entry in ClinVar:

NM_006565.4(CTCF):c.-127+2T>C

Gene: CTCF (CCCTC-binding factor; plus strand). Cytogenetic location: 16q22.1.
Variant type: single nucleotide variant.
Coding change: c.-127+2T>C on transcript NM_006565.4 (MANE Select); the canonical splice donor site of the intron after 127 bases upstream of the start codon, T replaced by C.
Molecular consequence: splice donor variant.
Genome position (GRCh38, 1-based): chr16:67,562,726, T>C. VCF-style: chr16-67562726-T-C. GRCh37 (hg19) VCF-style: chr16-67596629-T-C.
Other names: c.-127+2T>C (NM_001438969.1); c.-150+2T>C (NM_001191022.2).
Identifiers: ClinVar variation 4527378 (VCV004527378.1).

ClinVar aggregate classification (germline): Uncertain significance (1 of 4 stars; one submission).

Submission:

GeneDx
Classification: Uncertain significance. Last evaluated: 2025-04-29. Review status: criteria provided, single submitter. Criteria: GeneDx Variant Classification Process June 2021. Collection method: clinical testing. Allele origin: germline. Affected: yes.
Comment: In silico analysis supports a deleterious effect on splicing; Has not been previously published as pathogenic or benign to our knowledge; No data available from control populations to assess the frequency of this variant; Located in a regulatory region; in the absence of functional studies, the actual effect of this sequence change is unknown